The following is an entry in ClinVar:

ClinVar aggregate classification (germline): Uncertain significance (1 of 4 stars; one submission).

Submission:

CeGaT Center for Human Genetics Tuebingen
Classification: Uncertain significance. Last evaluated: 2022-07-01. Review status: criteria provided, single submitter. Criteria: CeGaT Center For Human Genetics Tuebingen Variant Classification Criteria Version 2. Collection method: clinical testing. Allele origin: germline. Affected: yes. Observed: 1 variant allele.
Comment: ASB9: PM2

NM_001031739.3(ASB9):c.448_449del (p.Val150fs)

Gene: ASB9 (ankyrin repeat and SOCS box containing 9; minus strand). Cytogenetic location: Xp22.2.
Variant type: Microsatellite.
Coding change: c.448_449del on transcript NM_001031739.3 (MANE Select); coding-DNA positions 448 to 449, 2 bases deleted (GT; older notation c.448_449delGT).
Protein change: p.Val150fs; shifts the reading frame from valine 150.
Molecular consequence: frameshift variant. On other transcripts: intron variant (1).
Genome position (GRCh38, 1-based): chrX:15,250,549-15,250,550, AC deleted on the plus strand (GT on the coding strand, the reverse complement: ASB9 is on the minus strand); deleting any 2 consecutive bases within chrX:15,250,549-15,250,554 gives the same sequence; the c. name uses the placement nearest the transcript's 3' end. VCF-style (leftmost placement, unchanged base first): chrX-15250548-GAC-G. GRCh37 (hg19) VCF-style: chrX-15268670-GAC-G.
Other names: c.448_449del, p.Val150fs (NM_001168531.2, NM_024087.3); c.434-20GT[2] (NM_001168530.2); short protein forms V150fs.
Identifiers: ClinVar variation 2660043 (VCV002660043.24), dbSNP rs2519225575, ClinGen allele CA2695200155.